The following is an entry in ClinVar:

ClinVar aggregate classification (germline): Uncertain significance. Review status: criteria provided, multiple submitters, no conflicts (2 of 4 stars). 2 submissions from 2 submitters: Uncertain significance (2). Last evaluated 2023-03-14.

Conditions:
Inborn genetic diseases. Identifiers: MedGen C0950123, MeSH D030342.
Seizures, benign familial infantile, 3 (BFIS3). Also called: Familial neonatal seizures; CONVULSIONS, BENIGN FAMILIAL INFANTILE, 3. Identifiers: Orphanet 140927, Orphanet 306, MedGen C1843140, MONDO:0011904, OMIM 607745.
Developmental and epileptic encephalopathy, 11 (DEE11). Also called: Early infantile epileptic encephalopathy 11. Identifiers: Orphanet 1934, MedGen C3150987, MONDO:0013388, OMIM 613721.

Allele frequency attached by ClinVar (database versions not stated): gnomAD 0.00001; TOPMed 0.00001.
gnomAD v4.1: 2 of 1,614,100 alleles (0.00012%); highest among the groups gnomAD compares: Admixed American, 0.0033%; no homozygotes.

Submissions (2):

Labcorp Genetics (formerly Invitae), Labcorp
Classification: Uncertain significance for Seizures, benign familial infantile, 3; Developmental and epileptic encephalopathy, 11. Last evaluated: 2023-03-14. Review status: criteria provided, single submitter. Criteria: Invitae Variant Classification Sherloc (09022015). Collection method: clinical testing. Allele origin: germline.
Comment: In summary, the available evidence is currently insufficient to determine the role of this variant in disease. Therefore, it has been classified as a Variant of Uncertain Significance. Advanced modeling of protein sequence and biophysical properties (such as structural, functional, and spatial information, amino acid conservation, physicochemical variation, residue mobility, and thermodynamic stability) has been performed at Invitae for this missense variant, however the output from this modeling did not meet the statistical confidence thresholds required to predict the impact of this variant on SCN2A protein function. ClinVar contains an entry for this variant (Variation ID: 2397791). This variant has not been reported in the literature in individuals affected with SCN2A-related conditions. This variant is present in population databases (no rsID available, gnomAD 0.003%). This sequence change replaces methionine, which is neutral and non-polar, with leucine, which is neutral and non-polar, at codon 964 of the SCN2A protein (p.Met964Leu).

Ambry Genetics
Classification: Uncertain significance for Inborn genetic diseases. Last evaluated: 2021-02-05. Review status: criteria provided, single submitter. Criteria: Ambry Variant Classification Scheme 2023. Collection method: clinical testing. Allele origin: germline.
Comment: The c.2890A>T (p.M964L) alteration is located in exon 16 (coding exon 15) of the SCN2A gene. This alteration results from a A to T substitution at nucleotide position 2890, causing the methionine (M) at amino acid position 964 to be replaced by a leucine (L). The in silico prediction for the p.M964L alteration is inconclusive. Based on insufficient or conflicting evidence, the clinical significance of this alteration remains unclear.

NM_001040142.2(SCN2A):c.2890A>T (p.Met964Leu)

Gene: SCN2A (sodium voltage-gated channel alpha subunit 2; plus strand). Cytogenetic location: 2q24.3.
Variant type: single nucleotide variant.
Coding change: c.2890A>T on transcript NM_001040142.2 (MANE Select); coding-DNA position 2890, A replaced by T.
Protein change: p.Met964Leu; replaces methionine 964 with leucine.
Molecular consequence: missense variant.
Genome position (GRCh38, 1-based): chr2:165,344,882, A>T. VCF-style: chr2-165344882-A-T. GRCh37 (hg19) VCF-style: chr2-166201392-A-T.
Other names: c.2890A>T, p.Met964Leu (NM_001040143.2, NM_001371246.1, NM_001371247.1 and 1 more transcripts); short protein forms M964L.
Identifiers: ClinVar variation 2397791 (VCV002397791.5), dbSNP rs1161202844, ClinGen allele CA349016465.